The following is an entry in ClinVar:

ClinVar aggregate classification (germline): Likely benign. Review status: criteria provided, multiple submitters, no conflicts (2 of 4 stars). 2 submissions from 2 submitters: Likely benign (2). Last evaluated 2025-06-30.

Conditions:
Epilepsy, familial focal, with variable foci 3 (FFEVF3). Identifiers: MedGen C4310708, MONDO:0014925, OMIM 617118.

Allele frequency attached by ClinVar (database versions not stated): TOPMed 0.00009; gnomAD 0.00007; gnomAD exomes 0.00001; ExAC 0.00003.
gnomAD v4.1: 30 of 1,601,946 alleles (0.0019%); highest among the groups gnomAD compares: Admixed American, 0.012%; no homozygotes.

Submissions (2):

Mayo Clinic Laboratories, Mayo Clinic
Classification: Likely benign. Last evaluated: 2025-06-30. Review status: criteria provided, single submitter. Criteria: ACMG Guidelines, 2015. Collection method: clinical testing. Allele origin: germline. Observed: 1 variant allele.
Comment: BP4, BP7

Labcorp Genetics (formerly Invitae), Labcorp
Classification: Likely benign for Epilepsy, familial focal, with variable foci 3. Last evaluated: 2025-04-21. Review status: criteria provided, single submitter. Criteria: Invitae Variant Classification Sherloc (09022015). Collection method: clinical testing. Allele origin: germline.

NM_001077350.3(NPRL3):c.548-10A>T

Genes: HBA-LCR (alpha-globin locus control region; plus strand), NPRL3 (NPR3 like, GATOR1 complex subunit; minus strand). Cytogenetic location: 16p13.3.
Variant type: single nucleotide variant.
Coding change: c.548-10A>T on transcript NM_001077350.3 (MANE Select); 10 bases into the intron before coding-DNA position 548, A replaced by T.
Molecular consequence: intron variant.
Genome position (GRCh38, 1-based): chr16:110,616, T>A on the plus strand (A>T on the coding strand, the complement: NPRL3 is on the minus strand). VCF-style: chr16-110616-T-A. GRCh37 (hg19) VCF-style: chr16-160614-T-A.
Other names: p.?; c.314-10A>T (NM_001243247.2); c.473-10A>T (NM_001243248.2, NM_001243249.2); c.11-10A>T (NM_001039476.3).
Identifiers: ClinVar variation 1125185 (VCV001125185.10), dbSNP rs749419450, ClinGen allele CA7769624.